The following is an entry in ClinVar:

NM_001354604.2(MITF):c.1564A>G (p.Thr522Ala)

Gene: MITF (melanocyte inducing transcription factor; plus strand). Cytogenetic location: 3p13.
Variant type: single nucleotide variant.
Coding change: c.1564A>G on transcript NM_001354604.2 (MANE Select); coding-DNA position 1564, A replaced by G.
Protein change: p.Thr522Ala; replaces threonine 522 with alanine.
Molecular consequence: missense variant.
Genome position (GRCh38, 1-based): chr3:69,965,231, A>G. VCF-style: chr3-69965231-A-G. GRCh37 (hg19) VCF-style: chr3-70014382-A-G.
Other names: c.1243A>G, p.Thr415Ala (NM_000248.4); c.1390A>G, p.Thr464Ala (NM_001184967.2, NM_001354608.2); c.1561A>G, p.Thr521Ala (NM_001354605.2); c.1543A>G, p.Thr515Ala (NM_001354606.2, NM_006722.3); c.1495A>G, p.Thr499Ala (NM_001354607.2); c.1225A>G, p.Thr409Ala (NM_198158.3); c.1546A>G, p.Thr516Ala (NM_198159.3); c.1498A>G, p.Thr500Ala (NM_198177.3); and 1 more; short protein forms T353A, T500A, T521A, T464A, T499A, T409A, T415A, T515A.
Identifiers: ClinVar variation 4782838 (VCV004782838.1).

ClinVar aggregate classification (germline): Uncertain significance (1 of 4 stars; one submission).

Conditions:
Tietz syndrome (TADS). Also called: ALBINISM-DEAFNESS OF TIETZ; HYPOPIGMENTATION/DEAFNESS OF TIETZ; TIETZ ALBINISM-DEAFNESS SYNDROME. Identifiers: Orphanet 42665, MedGen C0391816, MONDO:0007077, OMIM 103500.
Waardenburg syndrome type 2A (WS2A). Also called: WAARDENBURG SYNDROME WITHOUT DYSTOPIA CANTHORUM. Identifiers: Orphanet 3440, MedGen C1860339, MONDO:0008671, OMIM 193510.
Melanoma, cutaneous malignant, susceptibility to, 8. Also called: MELANOMA AND RENAL CELL CARCINOMA, SUSCEPTIBILITY TO; Cutaneous malignant melanoma 8. Identifiers: Orphanet 293822, MedGen C3152204, MONDO:0013759, OMIM 614456.

Submission:

Labcorp Genetics (formerly Invitae), Labcorp
Classification: Uncertain significance for Melanoma, cutaneous malignant, susceptibility to, 8; Waardenburg syndrome type 2A; Tietz syndrome. Last evaluated: 2026-01-13. Review status: criteria provided, single submitter. Criteria: Invitae Variant Classification Sherloc (09022015). Collection method: clinical testing. Allele origin: germline.
Comment: This sequence change replaces threonine, which is neutral and polar, with alanine, which is neutral and non-polar, at codon 415 of the MITF protein (p.Thr415Ala). This variant is not present in population databases (gnomAD no frequency). This variant has not been reported in the literature in individuals affected with MITF-related conditions. Invitae Evidence Modeling of protein sequence and biophysical properties (such as structural, functional, and spatial information, amino acid conservation, physicochemical variation, residue mobility, and thermodynamic stability) indicates that this missense variant is not expected to disrupt MITF protein function with a negative predictive value of 80%. In summary, the available evidence is currently insufficient to determine the role of this variant in disease. Therefore, it has been classified as a Variant of Uncertain Significance.